The following is an entry in ClinVar:

ClinVar aggregate classification (germline): Uncertain significance (1 of 4 stars; one submission).

Submission:

GeneDx
Classification: Uncertain significance. Last evaluated: 2026-02-04. Review status: criteria provided, single submitter. Criteria: GeneDx Variant Classification Process June 2021. Collection method: clinical testing. Allele origin: germline.
Comment: In silico analysis supports that this missense variant has a deleterious effect on protein structure/function; Has not been previously published as pathogenic or benign to our knowledge

NM_001003699.4(RREB1):c.2264G>A (p.Cys755Tyr)

Gene: RREB1 (ras responsive element binding protein 1; plus strand). Cytogenetic location: 6p24.3.
Variant type: single nucleotide variant.
Coding change: c.2264G>A on transcript NM_001003699.4 (MANE Select); coding-DNA position 2264, G replaced by A.
Protein change: p.Cys755Tyr; replaces cysteine 755 with tyrosine.
Molecular consequence: missense variant.
Genome position (GRCh38, 1-based): chr6:7,230,363, G>A. VCF-style: chr6-7230363-G-A. GRCh37 (hg19) VCF-style: chr6-7230596-G-A.
Other names: c.2264G>A, p.Cys755Tyr (NM_001003698.4, NM_001003700.2, NM_001168344.2); short protein forms C755Y.
Identifiers: ClinVar variation 4976158 (VCV004976158.1).